The following is an entry in ClinVar:

NM_182476.3(COQ6):c.1319C>T (p.Pro440Leu)

Genes: COQ6 (coenzyme Q6, monooxygenase; plus strand), ENTPD5 (ectonucleoside triphosphate diphosphohydrolase 5; minus strand). Cytogenetic location: 14q24.3.
Variant type: single nucleotide variant.
Coding change: c.1319C>T on transcript NM_182476.3 (MANE Select); coding-DNA position 1319, C replaced by T.
Protein change: p.Pro440Leu; replaces proline 440 with leucine.
Molecular consequence: missense variant. On other transcripts: intron variant (7).
Genome position (GRCh38, 1-based): chr14:73,961,845, C>T. VCF-style: chr14-73961845-C-T. GRCh37 (hg19) VCF-style: chr14-74428548-C-T.
Other names: c.1211C>T, p.Pro404Leu (NM_001425256.1); c.1154C>T, p.Pro385Leu (NM_001425257.1); c.1136C>T, p.Pro379Leu (NM_001425258.1); c.1094C>T, p.Pro365Leu (NM_001425259.1, NM_001425260.1, NM_001425261.1); c.1064C>T, p.Pro355Leu (NM_001425262.1); c.992C>T, p.Pro331Leu (NM_001425263.1); c.779C>T, p.Pro260Leu (NM_001425264.1, NM_001425265.1); c.1244C>T, p.Pro415Leu (NM_182480.3); and 5 more; short protein forms P415L, P440L.
Identifiers: ClinVar variation 1982692 (VCV001982692.3), dbSNP rs148444170, ClinGen allele CA7264503.

ClinVar aggregate classification (germline): Uncertain significance (1 of 4 stars; one submission).

Allele frequency attached by ClinVar (database versions not stated): 1000 Genomes Project 30x 0.00031.
gnomAD v4.1: 19 of 1,614,204 alleles (0.0012%); highest among the groups gnomAD compares: African/African-American, 0.0053%; no homozygotes.

Submission:

Labcorp Genetics (formerly Invitae), Labcorp
Classification: Uncertain significance. Last evaluated: 2025-08-18. Review status: criteria provided, single submitter. Criteria: Invitae Variant Classification Sherloc (09022015). Collection method: clinical testing. Allele origin: germline.
Comment: This sequence change replaces proline, which is neutral and non-polar, with leucine, which is neutral and non-polar, at codon 440 of the COQ6 protein (p.Pro440Leu). This variant is present in population databases (rs148444170, gnomAD 0.006%). This variant has not been reported in the literature in individuals affected with COQ6-related conditions. ClinVar contains an entry for this variant (Variation ID: 1982692). Invitae Evidence Modeling of protein sequence and biophysical properties (such as structural, functional, and spatial information, amino acid conservation, physicochemical variation, residue mobility, and thermodynamic stability) indicates that this missense variant is not expected to disrupt COQ6 protein function with a negative predictive value of 80%. In summary, the available evidence is currently insufficient to determine the role of this variant in disease. Therefore, it has been classified as a Variant of Uncertain Significance.